The following is an entry in ClinVar:

ClinVar aggregate classification (germline): Uncertain significance. Review status: criteria provided, multiple submitters, no conflicts (2 of 4 stars). 2 submissions from 2 submitters: Uncertain significance (2). Last evaluated 2025-03-25.

Conditions:
Rhabdoid tumor predisposition syndrome 2 (RTPS2). Identifiers: Orphanet 231108, Orphanet 69077, MedGen C2750074, MONDO:0013224, OMIM 613325.
Hereditary cancer-predisposing syndrome. Also called: Hereditary neoplastic syndrome; Neoplastic Syndromes, Hereditary; Tumor predisposition; Hereditary Cancer Syndrome. Identifiers: Orphanet 140162, MedGen C0027672, MeSH D009386, MONDO:0015356.

Allele frequency attached by ClinVar (database versions not stated): TOPMed below 0.00001.
gnomAD v4.1: 1 of 1,586,936 alleles (0.000063%); highest among the groups gnomAD compares: Non-Finnish European, 0.000086%; no homozygotes.

Submissions (2):

Labcorp Genetics (formerly Invitae), Labcorp
Classification: Uncertain significance for Rhabdoid tumor predisposition syndrome 2. Last evaluated: 2025-03-25. Review status: criteria provided, single submitter. Criteria: Invitae Variant Classification Sherloc (09022015). Collection method: clinical testing. Allele origin: germline.
Comment: This sequence change replaces glutamine, which is neutral and polar, with histidine, which is basic and polar, at codon 71 of the SMARCA4 protein (p.Gln71His). This variant is not present in population databases (gnomAD no frequency). This variant has not been reported in the literature in individuals affected with SMARCA4-related conditions. ClinVar contains an entry for this variant (Variation ID: 470288). Invitae Evidence Modeling of protein sequence and biophysical properties (such as structural, functional, and spatial information, amino acid conservation, physicochemical variation, residue mobility, and thermodynamic stability) indicates that this missense variant is not expected to disrupt SMARCA4 protein function with a negative predictive value of 95%. In summary, the available evidence is currently insufficient to determine the role of this variant in disease. Therefore, it has been classified as a Variant of Uncertain Significance.

Ambry Genetics
Classification: Uncertain significance for Hereditary cancer-predisposing syndrome. Last evaluated: 2023-11-22. Review status: criteria provided, single submitter. Criteria: Ambry Variant Classification Scheme 2023. Collection method: clinical testing. Allele origin: germline.
Comment: The p.Q71H variant (also known as c.213G>C), located in coding exon 1 of the SMARCA4 gene, results from a G to C substitution at nucleotide position 213. The glutamine at codon 71 is replaced by histidine, an amino acid with highly similar properties. This amino acid position is well conserved in available vertebrate species. In addition, this alteration is predicted to be tolerated by in silico analysis. Missense and in-frame variants in SMARCA4 are known to cause neurodevelopmental disorders; however, such associations with rhabdoid tumor predisposition syndrome including small cell carcinoma of the ovary-hypercalcemic type (SCCOHT) are exceedingly rare (Kosho T et al. Am J Med Genet C Semin Med Genet. 2014 Sep;166C(3):262-75; Jelinic P et al. Nat Genet. 2014 May;46(5):424-6). Based on the supporting evidence, the association of this alteration with Coffin-Siris syndrome is unknown; however, the association of this alteration with rhabdoid tumor predisposition syndrome is unlikely.

NM_003072.5(SMARCA4):c.213G>C (p.Gln71His)

Gene: SMARCA4 (SWI/SNF related BAF chromatin remodeling complex subunit ATPase 4; plus strand). Cytogenetic location: 19p13.2.
Variant type: single nucleotide variant.
Coding change: c.213G>C on transcript NM_003072.5 (MANE Select); coding-DNA position 213, G replaced by C.
Protein change: p.Gln71His; replaces glutamine 71 with histidine.
Molecular consequence: missense variant. On other transcripts: non-coding transcript variant (1).
Genome position (GRCh38, 1-based): chr19:10,984,364, G>C. VCF-style: chr19-10984364-G-C. GRCh37 (hg19) VCF-style: chr19-11095040-G-C.
Other names: c.213G>C, p.Gln71His (NM_001128844.3, NM_001128845.2, NM_001128846.2 and 5 more transcripts); short protein forms Q71H.
Identifiers: ClinVar variation 470288 (VCV000470288.13), dbSNP rs1489673789, ClinGen allele CA404054696.